The following is an entry in ClinVar:

NM_000441.2(SLC26A4):c.488T>G (p.Val163Gly)

Gene: SLC26A4 (solute carrier family 26 member 4; plus strand). Cytogenetic location: 7q22.3.
Variant type: single nucleotide variant.
Coding change: c.488T>G on transcript NM_000441.2 (MANE Select); coding-DNA position 488, T replaced by G.
Protein change: p.Val163Gly; replaces valine 163 with glycine.
Molecular consequence: missense variant.
Genome position (GRCh38, 1-based): chr7:107,674,236, T>G. VCF-style: chr7-107674236-T-G. GRCh37 (hg19) VCF-style: chr7-107314681-T-G.
Other names: short protein forms V163G.
Identifiers: ClinVar variation 4847269 (VCV004847269.1).

ClinVar aggregate classification (germline): Uncertain significance (1 of 4 stars; one submission).

Submission:

Women's Health and Genetics/Laboratory Corporation of America, LabCorp
Classification: Uncertain significance. Last evaluated: 2026-03-13. Review status: criteria provided, single submitter. Criteria: LabCorp Variant Classification Summary - May 2015. Collection method: clinical testing. Allele origin: germline.
Comment: Variant summary: SLC26A4 c.488T>G (p.Val163Gly) results in a non-conservative amino acid change in the encoded protein sequence. Algorithms developed to predict the effect of missense changes on protein structure and function are either unavailable or do not agree on the potential impact of this missense change. The variant was absent in 251472 control chromosomes. The available data on variant occurrences in the general population are insufficient to allow any conclusion about variant significance. To our knowledge, no occurrence of c.488T>G in individuals affected with SLC26A4-related conditions and no experimental evidence demonstrating its impact on protein function have been reported. No submitters have cited clinical-significance assessments for this variant to ClinVar. Based on the evidence outlined above, the variant was classified as uncertain significance.